The following is an entry in ClinVar:

ClinVar aggregate classification (germline): Pathogenic (1 of 4 stars; one submission).

Conditions:
Hereditary cancer-predisposing syndrome. Also called: Hereditary neoplastic syndrome; Neoplastic Syndromes, Hereditary; Tumor predisposition; Hereditary Cancer Syndrome. Identifiers: Orphanet 140162, MedGen C0027672, MeSH D009386, MONDO:0015356.

Submission:

Ambry Genetics
Classification: Pathogenic for Hereditary cancer-predisposing syndrome. Last evaluated: 2025-06-25. Review status: criteria provided, single submitter. Criteria: Ambry Variant Classification Scheme 2023. Collection method: clinical testing. Allele origin: germline.
Comment: The c.718_718+1insAT pathogenic mutation (also known as p.K240Nfs*25), located in coding exon 7 of the RB1 gene, results from an insertion of two nucleotides between position 718 and 718+1 causing a translational frameshift with a predicted alternate stop codon. This variant was reported in individual(s) with features consistent with RB1-related hereditary retinoblastoma (Reddy MA et al. Ophthalmol Retina 2021 Apr;5(4):381-387; Ambry internal data). Note, this variant is also referred to as c.718_719insAT in the literature. This variant is considered to be rare based on population cohorts in the Genome Aggregation Database (gnomAD). In addition to the clinical data presented in the literature, this alteration is expected to result in loss of function by premature protein truncation or nonsense-mediated mRNA decay. As such, this alteration is interpreted as a disease-causing mutation.

Literature cited by the submitters: PubMed 32835838.

NM_000321.3(RB1):c.718_718+1insAT

Gene: RB1 (RB transcriptional corepressor 1; plus strand). Cytogenetic location: 13q14.2.
Variant type: Insertion.
Coding change: c.718_718+1insAT on transcript NM_000321.3 (MANE Select); coding-DNA position 718 through the canonical splice donor site of the intron after coding-DNA position 718, AT inserted.
Molecular consequence: splice donor variant.
Genome position: GRCh38 VCF-style: chr13-48360127-A-AAT. GRCh37 (hg19) VCF-style: chr13-48934263-A-AAT.
Other names: c.718_718+1insAT (NM_001407165.1, NM_001407166.1).
Identifiers: ClinVar variation 4151175 (VCV004151175.1).